The following is an entry in ClinVar:

ClinVar aggregate classification (germline): Benign (1 of 4 stars; one submission).

Allele frequency attached by ClinVar (database versions not stated): gnomAD 0.02172; gnomAD exomes 0.03344; 1000 Genomes Project 30x 0.09916; ExAC 0.14773.
gnomAD v4.1: 41,897 of 1,290,596 alleles (3.2%); highest among the groups gnomAD compares: East Asian, 15%; no homozygotes.

Submission:

Unidad de Genómica Garrahan, Hospital de Pediatría Garrahan
Classification: Benign. Last evaluated: 2024-01-24. Review status: criteria provided, single submitter. Criteria: ACMG Guidelines, 2015. Collection method: clinical testing. Allele origin: germline. Affected: no. Observed: 48 variant alleles.
Comment: This variant is classified as Benign based on local population frequency. This variant was detected in 51% of patients studied by a panel of primary immunodeficiencies. Number of patients: 48. Only high quality variants are reported.

NM_058004.4(PI4KA):c.5462-44C>T

Gene: PI4KA (phosphatidylinositol 4-kinase alpha; minus strand). Cytogenetic location: 22q11.21.
Variant type: single nucleotide variant.
Coding change: c.5462-44C>T on transcript NM_058004.4 (MANE Select); 44 bases into the intron before coding-DNA position 5462, C replaced by T.
Molecular consequence: intron variant.
Genome position (GRCh38, 1-based): chr22:20,713,434, G>A on the plus strand (C>T on the coding strand, the complement: PI4KA is on the minus strand). VCF-style: chr22-20713434-G-A. GRCh37 (hg19) VCF-style: chr22-21067722-G-A.
Other names: c.5396-44C>T (NM_001362863.2); c.5369-44C>T (NM_001362862.2).
Identifiers: ClinVar variation 2688121 (VCV002688121.2), dbSNP rs734876, ClinGen allele CA10114655.
Genomic context (GRCh38, chr22:20,713,434, plus strand): 5'-TGAGCGGCACCGCAGACCTGCCCGCAGGGAGAGAGGCCGCTGTTAGCCTGTAGGCAGTGA[G>A]AAGCCCTCTGAGGGGGCCAGGGATGAGTCCTCTCACATGCCTGAAAGGAACCCCAGCAAT-3'